The following is an entry in ClinVar:

NM_000352.6(ABCC8):c.2256-16del

Gene: ABCC8 (ATP binding cassette subfamily C member 8; minus strand). Cytogenetic location: 11p15.1.
Variant type: Deletion.
Coding change: c.2256-16del on transcript NM_000352.6 (MANE Select); 16 bases into the intron before coding-DNA position 2256, one base deleted (T; older notation c.2256-16delT).
Molecular consequence: intron variant.
Genome position (GRCh38, 1-based): chr11:17,415,355, A deleted on the plus strand (T on the coding strand, the reverse complement: ABCC8 is on the minus strand); the first of 3 consecutive A bases (chr11:17,415,355-17,415,357); deleting any one gives the same sequence. VCF-style (leftmost placement, unchanged base first): chr11-17415354-GA-G. GRCh37 (hg19) VCF-style: chr11-17436901-GA-G.
Other names: c.2256-16delT (NM_000352.3, NM_000352.6); c.2253-16del (NM_001351297.2); c.2256-16del (NM_001351296.2); c.2322-16del (NM_001351295.2); c.2259-16del (NM_001287174.3).
Identifiers: ClinVar variation 550376 (VCV000550376.8), dbSNP rs774508952, ClinGen allele CA5903236.

ClinVar aggregate classification (germline): Conflicting classifications of pathogenicity. Review status: criteria provided, conflicting classifications (1 of 4 stars). 6 submissions from 5 submitters: Uncertain significance (2); Likely benign (3). 1 of the submissions does not count toward it. Last evaluated 2026-01-16.

Conditions:
Transitory neonatal diabetes mellitus. Also called: Transient neonatal diabetes mellitus. Identifiers: MedGen C0342273, MONDO:0020525, HP:0008255.
Maturity-onset diabetes of the young (MODY). Also called: Maturity onset diabetes mellitus in young. Identifiers: Orphanet 552, MedGen C0342276, MONDO:0018911, HP:0004904.
Hyperinsulinemic hypoglycemia, familial, 1 (HHF1). Also called: Persistent hyperinsulinemic hypoglycemia of infancy; Persistent Hyperinsulinemia Hypoglycemia of Infancy; HYPERINSULINISM, FAMILIAL, WITH PANCREATIC NESIDIOBLASTOSIS; HYPOGLYCEMIA, HYPERINSULINEMIC, OF INFANCY; NESIDIOBLASTOSIS OF PANCREAS. Identifiers: Orphanet 276575, Orphanet 276598, MedGen C2931832, MONDO:0009734, OMIM 256450.

Submissions (6):

Labcorp Genetics (formerly Invitae), Labcorp
Classification: Likely benign. Last evaluated: 2026-01-16. Review status: criteria provided, single submitter. Criteria: Invitae Variant Classification Sherloc (09022015). Collection method: clinical testing. Allele origin: germline.

Women's Health and Genetics/Laboratory Corporation of America, LabCorp
Classification: Likely benign. Last evaluated: 2024-08-08. Review status: criteria provided, single submitter. Criteria: LabCorp Variant Classification Summary - May 2015. Collection method: clinical testing. Allele origin: germline.
Comment: Variant summary: ABCC8 c.2256-16delT alters a conserved nucleotide located at a position not widely known to affect splicing. Consensus agreement among computation tools predict no significant impact on normal splicing. However, these predictions have yet to be confirmed by functional studies. The variant allele was found at a frequency of 3.3e-05 in 240478 control chromosomes. The available data on variant occurrences in the general population are insufficient to allow any conclusion about variant significance. To our knowledge, no occurrence of c.2256-16delT in individuals affected with Familial Hyperinsulinism and no experimental evidence demonstrating its impact on protein function have been reported. ClinVar contains an entry for this variant (Variation ID: 550376). Based on the evidence outlined above, the variant was classified as likely benign.

Blueprint Genetics
Classification: Likely benign. Last evaluated: 2023-11-20. Review status: criteria provided, single submitter. Criteria: ACMG Guidelines, 2015. Collection method: clinical testing. Allele origin: germline.

Clinical Genomics, Uppaluri K&H Personalized Medicine Clinic
Classification: Uncertain significance for Maturity-onset diabetes of the young. Review status: criteria provided, single submitter. Criteria: K & H Uppaluri Personalized Medicine Clinic Variant Classification & Assertion Criteria_Updated V.1. Collection method: research. Allele origin: unknown. Inheritance: Somatic mutation.
Comment: Mutations in ABCC8 gene are associated with both neonatal diabetes mellitus as well as MODY. Patients with this mutation may have a better response to sulfonylureas. However, no sufficient evidence is found to ascertain the role of this particular variant (rs774508952) in MODY yet.

Clinical Genomics, Uppaluri K&H Personalized Medicine Clinic
Classification: Uncertain significance for Transitory neonatal diabetes mellitus. Review status: criteria provided, single submitter. Criteria: K & H Uppaluri Personalized Medicine Clinic Variant Classification & Assertion Criteria_Updated V.1. Collection method: research. Allele origin: unknown. Inheritance: Somatic mutation.
Comment: Mutations in ABCC8 gene are associated with both neonatal diabetes mellitus as well as MODY. Patients with this mutation may have a better response to sulfonylureas. However, no sufficient evidence is found to ascertain the role of this particular variant (rs774508952) in neonatal diabetes yet.

Counsyl
Classification: Likely benign for Hyperinsulinemic hypoglycemia, familial, 1. Last evaluated: 2017-01-17. Review status: no assertion criteria provided. Collection method: clinical testing. Allele origin: unknown. Not counted in ClinVar's aggregate classification.

Literature cited by the submitters: PubMed 16885549 (cited by Clinical Genomics, Uppaluri K&H Personalized Medicine Clinic); PubMed 21989597 (cited by Clinical Genomics, Uppaluri K&H Personalized Medicine Clinic); PubMed 27538677 (cited by Clinical Genomics, Uppaluri K&H Personalized Medicine Clinic); PubMed 18981553 (cited by Clinical Genomics, Uppaluri K&H Personalized Medicine Clinic); PubMed 32027066 (cited by Clinical Genomics, Uppaluri K&H Personalized Medicine Clinic); PubMed 16613899 (cited by Clinical Genomics, Uppaluri K&H Personalized Medicine Clinic); PubMed 18025408 (cited by Clinical Genomics, Uppaluri K&H Personalized Medicine Clinic); PubMed 32792356 (cited by Clinical Genomics, Uppaluri K&H Personalized Medicine Clinic).